The following is an entry in ClinVar:

NM_002691.4(POLD1):c.1122G>A (p.Glu374=)

Gene: POLD1 (DNA polymerase delta 1, catalytic subunit; plus strand). Cytogenetic location: 19q13.33.
Variant type: single nucleotide variant.
Coding change: c.1122G>A on transcript NM_002691.4 (MANE Select); coding-DNA position 1122, G replaced by A.
Protein change: p.Glu374=; no amino-acid change (glutamic acid 374 retained).
Molecular consequence: synonymous variant. On other transcripts: non-coding transcript variant (1).
Genome position (GRCh38, 1-based): chr19:50,403,204, G>A. VCF-style: chr19-50403204-G-A. GRCh37 (hg19) VCF-style: chr19-50906461-G-A.
Other names: c.1122G>A, p.Glu374= (NM_001256849.1, NM_001308632.1).
Identifiers: ClinVar variation 2448214 (VCV002448214.3), dbSNP rs1304117623, ClinGen allele CA508182817.

ClinVar aggregate classification (germline): Benign/Likely benign. Review status: criteria provided, multiple submitters, no conflicts (2 of 4 stars). 2 submissions from 2 submitters: Benign (1); Likely benign (1). Last evaluated 2025-02-05.

Conditions:
POLD1-related polyposis and colorectal cancer syndrome (CRCS10). Also called: COLORECTAL CANCER, SUSCEPTIBILITY TO, ON CHROMOSOME 19q; Colorectal cancer 10; Colorectal cancer, susceptibility to, 10. Identifiers: Orphanet 220460, MedGen C2675481, MONDO:0012953, OMIM 612591.
Hereditary cancer-predisposing syndrome. Also called: Neoplastic Syndromes, Hereditary; Tumor predisposition; Hereditary Cancer Syndrome; Hereditary neoplastic syndrome. Identifiers: Orphanet 140162, MedGen C0027672, MeSH D009386, MONDO:0015356.

Allele frequency attached by ClinVar (database versions not stated): gnomAD exomes below 0.00001.

Submissions (2):

Myriad Genetics, Inc.
Classification: Benign for POLD1-related polyposis and colorectal cancer syndrome. Last evaluated: 2025-02-05. Review status: criteria provided, single submitter. Criteria: Myriad Autosomal Dominant, Autosomal Recessive and X-Linked Classification Criteria (2023). Collection method: clinical testing. Allele origin: unknown.
Comment: This variant is considered benign. This variant is a silent/synonymous amino acid change and it is not expected to impact splicing.

Ambry Genetics
Classification: Likely benign for Hereditary cancer-predisposing syndrome. Last evaluated: 2023-03-08. Review status: criteria provided, single submitter. Criteria: Ambry Variant Classification Scheme 2023. Collection method: clinical testing. Allele origin: germline.